The following is an entry in ClinVar:

NM_206926.2(SELENON):c.142del (p.Val48fs)

Gene: SELENON (selenoprotein N; plus strand). Cytogenetic location: 1p36.11.
Variant type: Deletion.
Coding change: c.142del on transcript NM_206926.2 (MANE Select); coding-DNA position 142, one base deleted (G; older notation c.142delG).
Protein change: p.Val48fs; shifts the reading frame from valine 48.
Molecular consequence: frameshift variant.
Genome position (GRCh38, 1-based): chr1:25,800,372, G deleted; the last of 3 consecutive G bases (chr1:25,800,370-25,800,372); deleting any one gives the same sequence. VCF-style (leftmost placement, unchanged base first): chr1-25800369-CG-C. GRCh37 (hg19) VCF-style: chr1-26126860-CG-C.
Other names: c.142del (NM_020451.2); c.142del, p.Val48fs (NM_020451.3); short protein forms V48fs.
Identifiers: ClinVar variation 2419559 (VCV002419559.12), dbSNP rs2047850396, ClinGen allele CA1159800456.

ClinVar aggregate classification (germline): Pathogenic/Likely pathogenic. Review status: criteria provided, multiple submitters, no conflicts (2 of 4 stars). 2 submissions from 2 submitters: Pathogenic (1); Likely pathogenic (1). Last evaluated 2024-02-06.

Conditions:
Eichsfeld type congenital muscular dystrophy (CMYO3). Also called: MYOPATHY, SEPN1-RELATED; SELENON-related myopathy; Congenital myopathy 3 with rigid spine; Rigid spine muscular dystrophy 1. Identifiers: MedGen C0410180, MONDO:0100100, OMIM 602771.

Submissions (2):

Labcorp Genetics (formerly Invitae), Labcorp
Classification: Pathogenic for Eichsfeld type congenital muscular dystrophy. Last evaluated: 2024-02-06. Review status: criteria provided, single submitter. Criteria: Invitae Variant Classification Sherloc (09022015). Collection method: clinical testing. Allele origin: germline.
Comment: This sequence change creates a premature translational stop signal (p.Val48Serfs*18) in the SELENON gene. It is expected to result in an absent or disrupted protein product. Loss-of-function variants in SELENON are known to be pathogenic (PMID: 21131290, 21670436). This variant is not present in population databases (gnomAD no frequency). This premature translational stop signal has been observed in individual(s) with myopathy (PMID: 32796131). ClinVar contains an entry for this variant (Variation ID: 2419559). For these reasons, this variant has been classified as Pathogenic.

GeneDx
Classification: Likely pathogenic. Last evaluated: 2024-01-25. Review status: criteria provided, single submitter. Criteria: GeneDx Variant Classification Process June 2021. Collection method: clinical testing. Allele origin: germline. Affected: yes.
Comment: Identified in an individual with myopathy, however, it is unknown if this variant was present in the homozygous or compound heterozygous state with a second identified variant, and the specific testing methodology was not provided (PMID: 32796131); Frameshift variant predicted to result in protein truncation or nonsense mediated decay in a gene for which loss of function is a known mechanism of disease; Not observed at significant frequency in large population cohorts (gnomAD); This variant is associated with the following publications: (PMID: 21670436, 21131290, 32796131)

Literature cited by the submitters: PubMed 21131290 (cited by Labcorp Genetics (formerly Invitae), Labcorp); PubMed 21670436 (cited by Labcorp Genetics (formerly Invitae), Labcorp); PubMed 32796131 (cited by Labcorp Genetics (formerly Invitae), Labcorp).